The following is an entry in ClinVar:

ClinVar aggregate classification (germline): Uncertain significance (1 of 4 stars; one submission).

Submission:

GeneDx
Classification: Uncertain significance. Last evaluated: 2025-01-27. Review status: criteria provided, single submitter. Criteria: GeneDx Variant Classification Process June 2021. Collection method: clinical testing. Allele origin: germline. Affected: yes.
Comment: Not observed at significant frequency in large population cohorts (gnomAD); In silico analysis supports that this missense variant has a deleterious effect on protein structure/function; Has not been previously published as pathogenic or benign to our knowledge

NM_001134407.3(GRIN2A):c.1029G>T (p.Trp343Cys)

Gene: GRIN2A (glutamate ionotropic receptor NMDA type subunit 2A; minus strand). Cytogenetic location: 16p13.2.
Variant type: single nucleotide variant.
Coding change: c.1029G>T on transcript NM_001134407.3 (MANE Select); coding-DNA position 1029, G replaced by T.
Protein change: p.Trp343Cys; replaces tryptophan 343 with cysteine.
Molecular consequence: missense variant.
Genome position (GRCh38, 1-based): chr16:9,891,079, C>A on the plus strand (G>T on the coding strand, the complement: GRIN2A is on the minus strand). VCF-style: chr16-9891079-C-A. GRCh37 (hg19) VCF-style: chr16-9984936-C-A.
Other names: c.1029G>T, p.Trp343Cys (NM_000833.5, NM_001134408.2); short protein forms W343C.
Identifiers: ClinVar variation 4071886 (VCV004071886.1).
Genomic context (GRCh38, chr16:9,891,079, plus strand): 5'-CACCACCAGCCTGGGGTGCACCTGGTAGCCTTCCTCAGTGAAGGATAAGTCTTTGCCATC[C>A]CATGTAACATTGACCATAAATCTAGAAAGGGGAAGAGAGAAAGACAAATTTTTAGGAAAG-3'
Protein context (NP_001127879.1, residues 333-353): TLHPFMVNVT[Trp343Cys]DGKDLSFTEE